The following is an entry in ClinVar:

ClinVar aggregate classification (germline): Benign/Likely benign. Review status: criteria provided, multiple submitters, no conflicts (2 of 4 stars). 2 submissions from 2 submitters: Benign (1); Likely benign (1). Last evaluated 2026-07-13.

Conditions:
CSF1R-related disorder. Also called: CSF1R-related condition. Identifiers: MedGen CN379780, MONDO:0100632.

Allele frequency attached by ClinVar (database versions not stated): gnomAD exomes 0.00005; gnomAD 0.00011; TOPMed 0.00014; ExAC 0.00040.

Submissions (2):

PreventionGenetics, part of Exact Sciences
Classification: Likely benign for CSF1R-related condition. Last evaluated: 2026-07-13. Review status: criteria provided, single submitter. Criteria: ACMG Guidelines, 2015. Collection method: clinical testing. Allele origin: germline.
Comment: This variant is classified as likely benign based on ACMG/AMP sequence variant interpretation guidelines (Richards et al. 2015 PMID: 25741868, with internal and published modifications).

Labcorp Genetics (formerly Invitae), Labcorp
Classification: Benign. Last evaluated: 2025-01-27. Review status: criteria provided, single submitter. Criteria: Invitae Variant Classification Sherloc (09022015). Collection method: clinical testing. Allele origin: germline.

NM_001288705.3(CSF1R):c.1862C>T (p.Thr621Met)

Gene: CSF1R (colony stimulating factor 1 receptor; minus strand). Cytogenetic location: 5q32.
Variant type: single nucleotide variant.
Coding change: c.1862C>T on transcript NM_001288705.3 (MANE Select); coding-DNA position 1862, C replaced by T.
Protein change: p.Thr621Met; replaces threonine 621 with methionine.
Molecular consequence: missense variant. On other transcripts: non-coding transcript variant (2).
Genome position (GRCh38, 1-based): chr5:150,060,969, G>A on the plus strand (C>T on the coding strand, the complement: CSF1R is on the minus strand). VCF-style: chr5-150060969-G-A. GRCh37 (hg19) VCF-style: chr5-149440532-G-A.
Other names: c.1862C>T (NM_005211.3); c.1862C>T, p.Thr621Met (NM_005211.4, NM_001349736.2, NM_001375320.1); c.1418C>T, p.Thr473Met (NM_001375321.1); short protein forms T473M, T621M.
Identifiers: ClinVar variation 1912085 (VCV001912085.6), dbSNP rs746302520, ClinGen allele CA3506648.